The following is an entry in ClinVar:

ClinVar aggregate classification (germline): Uncertain significance (1 of 4 stars; one submission).

Conditions:
Charcot-Marie-Tooth disease type 4. Also called: Charcot-Marie-Tooth disease, type IV; Charcot-Marie-Tooth, Type 4. Identifiers: Orphanet 64749, MedGen C4082197, MONDO:0018995.

Allele frequency attached by ClinVar (database versions not stated): gnomAD exomes below 0.00001.
gnomAD v4.1: 1 of 1,614,042 alleles (0.000062%); highest among the groups gnomAD compares: Non-Finnish European, 0.000085%; no homozygotes.

Submission:

Labcorp Genetics (formerly Invitae), Labcorp
Classification: Uncertain significance for Charcot-Marie-Tooth disease type 4. Last evaluated: 2022-02-25. Review status: criteria provided, single submitter. Criteria: Invitae Variant Classification Sherloc (09022015). Collection method: clinical testing. Allele origin: germline.
Comment: In summary, the available evidence is currently insufficient to determine the role of this variant in disease. Therefore, it has been classified as a Variant of Uncertain Significance. This sequence change replaces valine, which is neutral and non-polar, with alanine, which is neutral and non-polar, at codon 1110 of the SBF2 protein (p.Val1110Ala). This variant is not present in population databases (gnomAD no frequency). This variant has not been reported in the literature in individuals affected with SBF2-related conditions. Algorithms developed to predict the effect of missense changes on protein structure and function (SIFT, PolyPhen-2, Align-GVGD) all suggest that this variant is likely to be tolerated.

NM_030962.4(SBF2):c.3329T>C (p.Val1110Ala)

Genes: SBF2 (SET binding factor 2; minus strand), LOC101928008 (uncharacterized LOC101928008; plus strand). Cytogenetic location: 11p15.4.
Variant type: single nucleotide variant.
Coding change: c.3329T>C on transcript NM_030962.4 (MANE Select); coding-DNA position 3329, T replaced by C.
Protein change: p.Val1110Ala; replaces valine 1110 with alanine.
Molecular consequence: missense variant.
Genome position (GRCh38, 1-based): chr11:9,839,624, A>G on the plus strand (T>C on the coding strand, the complement: SBF2 is on the minus strand). VCF-style: chr11-9839624-A-G. GRCh37 (hg19) VCF-style: chr11-9861171-A-G.
Other names: c.3329T>C, p.Val1110Ala (NM_001386339.1); c.3200T>C, p.Val1067Ala (NM_001386342.1); short protein forms V1067A, V1110A.
Identifiers: ClinVar variation 2181102 (VCV002181102.4), dbSNP rs2494735958, ClinGen allele CA379628811.